The following is an entry in ClinVar:

NM_005632.3(CAPN15):c.2450C>T (p.Ala817Val)

Gene: CAPN15 (calpain 15; plus strand). Cytogenetic location: 16p13.3.
Variant type: single nucleotide variant.
Coding change: c.2450C>T on transcript NM_005632.3 (MANE Select); coding-DNA position 2450, C replaced by T.
Protein change: p.Ala817Val; replaces alanine 817 with valine.
Molecular consequence: missense variant.
Genome position (GRCh38, 1-based): chr16:552,155, C>T. VCF-style: chr16-552155-C-T. GRCh37 (hg19) VCF-style: chr16-602155-C-T.
Other names: short protein forms A817V.
Identifiers: ClinVar variation 3137118 (VCV003137118.3), dbSNP rs530881166, ClinGen allele CA7778756.

ClinVar aggregate classification (germline): Uncertain significance. Review status: criteria provided, single submitter (1 of 4 stars). 2 submissions from 2 submitters: Uncertain significance (1). 1 of the submissions does not count toward it. Last evaluated 2024-06-28.

Conditions:
CAPN15-related disorder. Also called: CAPN15-related condition.

Allele frequency attached by ClinVar (database versions not stated): ExAC 0.00007; gnomAD 0.00015; TOPMed 0.00016; gnomAD exomes 0.00018.
gnomAD v4.1: 272 of 1,546,448 alleles (0.018%); highest among the groups gnomAD compares: Admixed American, 0.028%; no homozygotes.

Submissions (2):

Ambry Genetics
Classification: Uncertain significance. Last evaluated: 2024-06-28. Review status: criteria provided, single submitter. Criteria: Ambry Variant Classification Scheme 2023. Collection method: clinical testing. Allele origin: germline.

PreventionGenetics, part of Exact Sciences
Classification: Uncertain significance for CAPN15-related condition. Last evaluated: 2024-03-22. Review status: no assertion criteria provided. Collection method: clinical testing. Allele origin: germline. Not counted in ClinVar's aggregate classification.
Comment: The CAPN15 c.2450C>T variant is predicted to result in the amino acid substitution p.Ala817Val. To our knowledge, this variant has not been reported in the literature. This variant is reported in 0.048% of alleles in individuals of Latino descent in gnomAD. At this time, the clinical significance of this variant is uncertain due to the absence of conclusive functional and genetic evidence.